The following is an entry in ClinVar:

ClinVar aggregate classification (germline): Benign/Likely benign. Review status: criteria provided, multiple submitters, no conflicts (2 of 4 stars). 2 submissions from 2 submitters: Benign (1); Likely benign (1). Last evaluated 2026-09-01.

Conditions:
Androgen resistance syndrome (AIS). Also called: ANDROGEN RECEPTOR DEFICIENCY; DIHYDROTESTOSTERONE RECEPTOR DEFICIENCY; TESTICULAR FEMINIZATION SYNDROME; Androgen insensitivity, complete; Androgen insensitivity; Androgen insensitivity syndrome due to coactivator deficiency. Identifiers: Orphanet 754, Orphanet 99429, MedGen C0039585, MONDO:0019154, OMIM 300068. Disease mechanism: loss of function.
Kennedy disease (SMAX1). Also called: SPINAL AND BULBAR MUSCULAR ATROPHY, X-LINKED 1; KENNEDY SPINAL AND BULBAR MUSCULAR ATROPHY; Spinal and Bulbar Muscular Atrophy. Identifiers: Orphanet 481, MedGen C1839259, MONDO:0010735, OMIM 313200.

Allele frequency attached by ClinVar (database versions not stated): gnomAD 0.00001; gnomAD exomes 0.00002; ExAC 0.00006.
gnomAD v4.1: 21 of 1,207,572 alleles (0.0017%); highest among the groups gnomAD compares: South Asian, 0.027%; no homozygotes.

Submissions (2):

CeGaT Center for Human Genetics Tuebingen
Classification: Likely benign. Last evaluated: 2026-09-01. Review status: criteria provided, single submitter. Criteria: CeGaT Center For Human Genetics Tuebingen Variant Classification Criteria Version 2. Collection method: clinical testing. Allele origin: germline. Affected: yes. Observed: 1 variant allele.
Comment: AR: BP4, BS2

Labcorp Genetics (formerly Invitae), Labcorp
Classification: Benign for Kennedy disease; Androgen resistance syndrome. Last evaluated: 2024-03-07. Review status: criteria provided, single submitter. Criteria: Invitae Variant Classification Sherloc (09022015). Collection method: clinical testing. Allele origin: germline.

NM_000044.6(AR):c.2608-6C>T

Gene: AR (androgen receptor; plus strand). Cytogenetic location: Xq12.
Variant type: single nucleotide variant.
Coding change: c.2608-6C>T on transcript NM_000044.6 (MANE Select); 6 bases into the intron before coding-DNA position 2608, C replaced by T.
Molecular consequence: intron variant.
Genome position (GRCh38, 1-based): chrX:67,723,680, C>T. VCF-style: chrX-67723680-C-T. GRCh37 (hg19) VCF-style: chrX-66943522-C-T.
Other names: c.1012-6C>T (NM_001011645.3).
Identifiers: ClinVar variation 2932519 (VCV002932519.4), dbSNP rs777185142, ClinGen allele CA10436701.